The following is an entry in ClinVar:

ClinVar aggregate classification (germline): Uncertain significance. Review status: criteria provided, multiple submitters, no conflicts (2 of 4 stars). 2 submissions from 2 submitters: Uncertain significance (2). Last evaluated 2025-11-11.

Conditions:
Inborn genetic diseases. Identifiers: MedGen C0950123, MeSH D030342.

Allele frequency attached by ClinVar (database versions not stated): TOPMed 0.00002; gnomAD 0.00001 and 0.00002; ExAC 0.00002.
gnomAD v4.1: 87 of 1,613,852 alleles (0.0054%); highest among the groups gnomAD compares: Non-Finnish European, 0.0072%; no homozygotes.

Submissions (2):

Ambry Genetics
Classification: Uncertain significance for Inborn genetic diseases. Last evaluated: 2025-11-11. Review status: criteria provided, single submitter. Criteria: Ambry Variant Classification Scheme 2023. Collection method: clinical testing. Allele origin: germline.

Labcorp Genetics (formerly Invitae), Labcorp
Classification: Uncertain significance. Last evaluated: 2022-07-31. Review status: criteria provided, single submitter. Criteria: Invitae Variant Classification Sherloc (09022015). Collection method: clinical testing. Allele origin: germline.
Comment: This sequence change replaces asparagine, which is neutral and polar, with lysine, which is basic and polar, at codon 2155 of the NBAS protein (p.Asn2155Lys). This variant is present in population databases (rs779793082, gnomAD 0.005%). This variant has not been reported in the literature in individuals affected with NBAS-related conditions. ClinVar contains an entry for this variant (Variation ID: 1393818). Algorithms developed to predict the effect of missense changes on protein structure and function output the following: SIFT: "Deleterious"; PolyPhen-2: "Benign"; Align-GVGD: "Class C65". The lysine amino acid residue is found in multiple mammalian species, which suggests that this missense change does not adversely affect protein function. In summary, the available evidence is currently insufficient to determine the role of this variant in disease. Therefore, it has been classified as a Variant of Uncertain Significance.

NM_015909.4(NBAS):c.6465C>G (p.Asn2155Lys)

Gene: NBAS (NBAS subunit of NRZ tethering complex; minus strand). Cytogenetic location: 2p24.3.
Variant type: single nucleotide variant.
Coding change: c.6465C>G on transcript NM_015909.4 (MANE Select); coding-DNA position 6465, C replaced by G.
Protein change: p.Asn2155Lys; replaces asparagine 2155 with lysine.
Molecular consequence: missense variant. On other transcripts: non-coding transcript variant (1).
Genome position (GRCh38, 1-based): chr2:15,190,371, G>C on the plus strand (C>G on the coding strand, the complement: NBAS is on the minus strand). VCF-style: chr2-15190371-G-C. GRCh37 (hg19) VCF-style: chr2-15330495-G-C.
Other names: c.6465C>G (NM_015909.2); short protein forms N2155K.
Identifiers: ClinVar variation 1393818 (VCV001393818.4), dbSNP rs779793082, ClinGen allele CA1534999.